The following is an entry in ClinVar:

ClinVar aggregate classification (germline): Uncertain significance (1 of 4 stars; one submission).

Conditions:
Arrhythmogenic cardiomyopathy with wooly hair and keratoderma. Also called: Carvajal syndrome; PALMOPLANTAR KERATODERMA WITH LEFT VENTRICULAR CARDIOMYOPATHY AND WOOLLY HAIR; Dilated cardiomyopathy with woolly hair and keratoderma; Arrhythmogenic cardiomyopathy with woolly hair and keratoderma. Identifiers: Orphanet 65282, MedGen C1854063, MONDO:0011581, OMIM 605676.

Allele frequency attached by ClinVar (database versions not stated): gnomAD exomes below 0.00001.
gnomAD v4.1: 2 of 1,614,124 alleles (0.00012%); highest among the groups gnomAD compares: Non-Finnish European, 0.00017%; no homozygotes.

Submission:

All of Us Research Program, National Institutes of Health
Classification: Uncertain significance for Arrhythmogenic cardiomyopathy with wooly hair and keratoderma. Last evaluated: 2023-03-07. Review status: criteria provided, single submitter. Criteria: ACMG Guidelines, 2015. Collection method: clinical testing. Allele origin: germline. Inheritance: Autosomal dominant inheritance. Observed: 1 variant allele, 1 heterozygote.
Comment: This missense variant replaces glutamic acid with lysine at codon 1385 of the DSP protein. Computational prediction suggests that this variant may not impact protein structure and function (internally defined REVEL score threshold <= 0.5, PMID: 27666373). To our knowledge, functional studies have not been reported for this variant. This variant has not been reported in individuals affected with DSP-related disorders in the literature. This variant has not been identified in the general population by the Genome Aggregation Database (gnomAD). The available evidence is insufficient to determine the role of this variant in disease conclusively. Therefore, this variant is classified as a Variant of Uncertain Significance.

This study involves interpretation of variants in research participants for the purpose of population health screening. Participant phenotype was not available at the time of variant classification. Additional details can be found in publication PMID: 35346344, PMCID: PMC8962531

NM_004415.4(DSP):c.4153G>A (p.Glu1385Lys)

Gene: DSP (desmoplakin; plus strand). Cytogenetic location: 6p24.3.
Variant type: single nucleotide variant.
Coding change: c.4153G>A on transcript NM_004415.4 (MANE Select); coding-DNA position 4153, G replaced by A.
Protein change: p.Glu1385Lys; replaces glutamic acid 1385 with lysine.
Molecular consequence: missense variant. On other transcripts: intron variant (2).
Genome position (GRCh38, 1-based): chr6:7,580,343, G>A. VCF-style: chr6-7580343-G-A. GRCh37 (hg19) VCF-style: chr6-7580576-G-A.
Other names: c.4050+103G>A (NM_001319034.2); c.3582+571G>A (NM_001008844.3); short protein forms E1385K.
Identifiers: ClinVar variation 3069753 (VCV003069753.1), dbSNP rs2533927606, ClinGen allele CA362685676.